The following is an entry in ClinVar:

NM_000246.4(CIITA):c.2472C>T (p.His824=)

Gene: CIITA (class II major histocompatibility complex transactivator; plus strand). Cytogenetic location: 16p13.13.
Variant type: single nucleotide variant.
Coding change: c.2472C>T on transcript NM_000246.4 (MANE Select); coding-DNA position 2472, C replaced by T.
Protein change: p.His824=; no amino-acid change (histidine 824 retained).
Molecular consequence: synonymous variant. On other transcripts: intron variant (1).
Genome position (GRCh38, 1-based): chr16:10,907,964, C>T. VCF-style: chr16-10907964-C-T. GRCh37 (hg19) VCF-style: chr16-11001821-C-T.
Other names: p.His824=; c.2475C>T, p.His825= (NM_001286402.1, NM_001379332.1); c.2328C>T, p.His776= (NM_001379330.1); c.2325C>T, p.His775= (NM_001379331.1); c.2472C>T, p.His824= (NM_001379333.1); c.2403C>T, p.His801= (NM_001379334.1); c.860-1019C>T (NM_001286403.2).
Identifiers: ClinVar variation 317713 (VCV000317713.20), dbSNP rs45621432, ClinGen allele CA7900382.

ClinVar aggregate classification (germline): Benign. Review status: criteria provided, multiple submitters, no conflicts (2 of 4 stars). 7 submissions from 7 submitters: Benign (5). 2 of the submissions do not count toward it. Last evaluated 2026-02-02.

Conditions:
CIITA-related disorder. Also called: CIITA-related condition.
MHC class II deficiency. Also called: Bare lymphocyte syndrome 2; BLS, TYPE II. Identifiers: Orphanet 572, MedGen C5447452, MONDO:0008855.

Allele frequency attached by ClinVar (database versions not stated): gnomAD exomes 0.02597 and 0.02137; TOPMed 0.01461; ExAC 0.02180; 1000 Genomes Project 0.00779; ESP Exome Variant Server 0.01732; gnomAD 0.01921 and 0.02015; 1000 Genomes Project 30x 0.00765.
gnomAD v4.1: 39,507 of 1,570,188 alleles (2.5%); highest among the groups gnomAD compares: Non-Finnish European, 2.8%; 672 homozygotes.

Submissions (7):

Labcorp Genetics (formerly Invitae), Labcorp
Classification: Benign for MHC class II deficiency. Last evaluated: 2026-02-02. Review status: criteria provided, single submitter. Criteria: Invitae Variant Classification Sherloc (09022015). Collection method: clinical testing. Allele origin: germline.

Women's Health and Genetics/Laboratory Corporation of America, LabCorp
Classification: Benign. Last evaluated: 2026-01-22. Review status: criteria provided, single submitter. Criteria: LabCorp Variant Classification Summary - May 2015. Collection method: clinical testing. Allele origin: germline.

Mayo Clinic Laboratories, Mayo Clinic
Classification: Benign. Last evaluated: 2018-12-19. Review status: criteria provided, single submitter. Criteria: ACMG Guidelines, 2015. Collection method: clinical testing. Allele origin: germline. Observed: 4 variant alleles.

Illumina Laboratory Services, Illumina
Classification: Benign for MHC class II deficiency 1. Last evaluated: 2018-01-13. Review status: criteria provided, single submitter. Criteria: ICSL Variant Classification Criteria 13 December 2019. Collection method: clinical testing. Allele origin: germline.
Comment: This variant was observed in the ICSL laboratory as part of a predisposition screen in an ostensibly healthy population. It had not been previously curated by ICSL or reported in the Human Gene Mutation Database (HGMD: prior to June 1st, 2018), and was therefore a candidate for classification through an automated scoring system. Utilizing variant allele frequency, disease prevalence and penetrance estimates, and inheritance mode, an automated score was calculated to assess if this variant is too frequent to cause the disease. Based on the score and internal cut-off values, a variant classified as benign is not then subjected to further curation. The score for this variant resulted in a classification of benign for this disease.

Breakthrough Genomics
Classification: Benign. Review status: criteria provided, single submitter. Criteria: ACMG Guidelines, 2015. Collection method: not provided. Allele origin: germline. Inheritance: Autosomal recessive inheritance. Affected: yes.

Natera, Inc.
Classification: Benign for Bare lymphocyte syndrome type II. Last evaluated: 2020-09-16. Review status: no assertion criteria provided. Collection method: clinical testing. Allele origin: germline. Not counted in ClinVar's aggregate classification.

PreventionGenetics, part of Exact Sciences
Classification: Benign for CIITA-related condition. Last evaluated: 2019-07-15. Review status: no assertion criteria provided. Collection method: clinical testing. Allele origin: germline. Not counted in ClinVar's aggregate classification.
Comment: This variant is classified as benign based on ACMG/AMP sequence variant interpretation guidelines (Richards et al. 2015 PMID: 25741868, with internal and published modifications).